The following is an entry in ClinVar:

NM_000091.5(COL4A3):c.1576-1G>A

Genes: COL4A3 (collagen type IV alpha 3 chain; plus strand), MFF-DT (MFF divergent transcript; minus strand). Cytogenetic location: 2q36.3.
Variant type: single nucleotide variant.
Coding change: c.1576-1G>A on transcript NM_000091.5 (MANE Select); the canonical splice acceptor site of the intron before coding-DNA position 1576, G replaced by A.
Molecular consequence: splice acceptor variant.
Genome position (GRCh38, 1-based): chr2:227,270,769, G>A. VCF-style: chr2-227270769-G-A. GRCh37 (hg19) VCF-style: chr2-228135485-G-A.
Identifiers: ClinVar variation 4722512 (VCV004722512.1).

ClinVar aggregate classification (germline): Likely pathogenic (1 of 4 stars; one submission).

Submission:

Labcorp Genetics (formerly Invitae), Labcorp
Classification: Likely pathogenic. Last evaluated: 2025-07-02. Review status: criteria provided, single submitter. Criteria: Invitae Variant Classification Sherloc (09022015). Collection method: clinical testing. Allele origin: germline.
Comment: This sequence change affects an acceptor splice site in intron 24 of the COL4A3 gene. It is expected to disrupt RNA splicing. Variants that disrupt the donor or acceptor splice site typically lead to a loss of protein function (PMID: 16199547), and loss-of-function variants in COL4A3 are known to be pathogenic (PMID: 8956999, 24854265, 26809805, 27281700). This variant is not present in population databases (gnomAD no frequency). This variant has not been reported in the literature in individuals affected with COL4A3-related conditions. Algorithms developed to predict the effect of sequence changes on RNA splicing suggest that this variant may disrupt the consensus splice site. In summary, the currently available evidence indicates that the variant is pathogenic, but additional data are needed to prove that conclusively. Therefore, this variant has been classified as Likely Pathogenic.

Literature cited by the submitters: PubMed 16199547; PubMed 8956999; PubMed 24854265; PubMed 26809805; PubMed 27281700.